The following is an entry in ClinVar:

ClinVar aggregate classification (germline): Uncertain significance (1 of 4 stars; one submission).

Submission:

Labcorp Genetics (formerly Invitae), Labcorp
Classification: Uncertain significance. Last evaluated: 2025-05-12. Review status: criteria provided, single submitter. Criteria: Invitae Variant Classification Sherloc (09022015). Collection method: clinical testing. Allele origin: germline.
Comment: This sequence change replaces asparagine, which is neutral and polar, with isoleucine, which is neutral and non-polar, at codon 638 of the RECQL protein (p.Asn638Ile). This variant is not present in population databases (gnomAD no frequency). This variant has not been reported in the literature in individuals affected with RECQL-related conditions. ClinVar contains an entry for this variant (Variation ID: 1898604). An algorithm developed to predict the effect of missense changes on protein structure and function outputs the following: PolyPhen-2: "Benign". The isoleucine amino acid residue is found in multiple mammalian species, which suggests that this missense change does not adversely affect protein function. In summary, the available evidence is currently insufficient to determine the role of this variant in disease. Therefore, it has been classified as a Variant of Uncertain Significance.

NM_002907.4(RECQL):c.1913A>T (p.Asn638Ile)

Genes: PYROXD1 (pyridine nucleotide-disulphide oxidoreductase domain 1; plus strand), RECQL (RecQ like helicase; minus strand). Cytogenetic location: 12p12.1.
Variant type: single nucleotide variant.
Coding change: c.1913A>T on transcript NM_002907.4 (MANE Select); coding-DNA position 1913, A replaced by T.
Protein change: p.Asn638Ile; replaces asparagine 638 with isoleucine.
Molecular consequence: missense variant. On other transcripts: 3 prime UTR variant (3).
Genome position (GRCh38, 1-based): chr12:21,470,231, T>A on the plus strand (A>T on the coding strand, the complement: RECQL is on the minus strand). VCF-style: chr12-21470231-T-A. GRCh37 (hg19) VCF-style: chr12-21623165-T-A.
Other names: c.1913A>T, p.Asn638Ile (NM_032941.3); c.*1477T>A (NM_001350912.2, NM_001350913.2, NM_024854.5); short protein forms N638I.
Identifiers: ClinVar variation 1898604 (VCV001898604.5), dbSNP rs2540304489, ClinGen allele CA384113556.
Genomic context (GRCh38, chr12:21,470,231, plus strand): 5'-TAGAAAATTTAGTAACATTCATATCAGGCATCATCGATTTTTCTTTTCTTAGCTCCTGTA[T>A]TCTTAGAACCAGATTGCTGAAGCATGTTTGCAGCCTTCTTCTGGAAGTTGCCTGAATTTT-3'
Protein context (NP_002898.2, residues 628-648): ANMLQQSGSK[Asn638Ile]TGAKKRKIDD